The following is an entry in ClinVar:

NM_001510.4(GRID2):c.199G>A (p.Val67Met)

Gene: GRID2 (glutamate ionotropic receptor delta type subunit 2; plus strand). Cytogenetic location: 4q22.1.
Variant type: single nucleotide variant.
Coding change: c.199G>A on transcript NM_001510.4 (MANE Select); coding-DNA position 199, G replaced by A.
Protein change: p.Val67Met; replaces valine 67 with methionine.
Molecular consequence: missense variant.
Genome position (GRCh38, 1-based): chr4:92,590,241, G>A. VCF-style: chr4-92590241-G-A. GRCh37 (hg19) VCF-style: chr4-93511392-G-A.
Other names: c.199G>A, p.Val67Met (NM_001286838.1, NM_001440459.1); short protein forms V67M.
Identifiers: ClinVar variation 4720263 (VCV004720263.1).

ClinVar aggregate classification (germline): Uncertain significance (1 of 4 stars; one submission).

gnomAD v4.1: 1 of 1,613,202 alleles (0.000062%); highest among the groups gnomAD compares: African/African-American, 0.0013%; no homozygotes.

Submission:

Labcorp Genetics (formerly Invitae), Labcorp
Classification: Uncertain significance. Last evaluated: 2025-06-05. Review status: criteria provided, single submitter. Criteria: Invitae Variant Classification Sherloc (09022015). Collection method: clinical testing. Allele origin: germline.
Comment: This sequence change replaces valine, which is neutral and non-polar, with methionine, which is neutral and non-polar, at codon 67 of the GRID2 protein (p.Val67Met). This variant is not present in population databases (gnomAD no frequency). This variant has not been reported in the literature in individuals affected with GRID2-related conditions. An algorithm developed to predict the effect of missense changes on protein structure and function (PolyPhen-2) suggests that this variant is likely to be disruptive. In summary, the available evidence is currently insufficient to determine the role of this variant in disease. Therefore, it has been classified as a Variant of Uncertain Significance.